The following is an entry in ClinVar:

ClinVar aggregate classification (germline): Uncertain significance (1 of 4 stars; one submission).

gnomAD v4.1: 2 of 1,612,322 alleles (0.00012%); highest among the groups gnomAD compares: Admixed American, 0.0017%; no homozygotes.

Submission:

Labcorp Genetics (formerly Invitae), Labcorp
Classification: Uncertain significance. Last evaluated: 2024-07-29. Review status: criteria provided, single submitter. Criteria: Invitae Variant Classification Sherloc (09022015). Collection method: clinical testing. Allele origin: germline.
Comment: This sequence change replaces histidine, which is basic and polar, with arginine, which is basic and polar, at codon 4092 of the ADGRV1 protein (p.His4092Arg). This variant is not present in population databases (gnomAD no frequency). This variant has not been reported in the literature in individuals affected with ADGRV1-related conditions. ClinVar contains an entry for this variant (Variation ID: 1429572). Advanced modeling of protein sequence and biophysical properties (such as structural, functional, and spatial information, amino acid conservation, physicochemical variation, residue mobility, and thermodynamic stability) performed at Invitae indicates that this missense variant is not expected to disrupt ADGRV1 protein function with a negative predictive value of 95%. In summary, the available evidence is currently insufficient to determine the role of this variant in disease. Therefore, it has been classified as a Variant of Uncertain Significance.

NM_032119.4(ADGRV1):c.12275A>G (p.His4092Arg)

Gene: ADGRV1 (adhesion G protein-coupled receptor V1; plus strand). Cytogenetic location: 5q14.3.
Variant type: single nucleotide variant.
Coding change: c.12275A>G on transcript NM_032119.4 (MANE Select); coding-DNA position 12275, A replaced by G.
Protein change: p.His4092Arg; replaces histidine 4092 with arginine.
Molecular consequence: missense variant. On other transcripts: non-coding transcript variant (1).
Genome position (GRCh38, 1-based): chr5:90,763,459, A>G. VCF-style: chr5-90763459-A-G. GRCh37 (hg19) VCF-style: chr5-90059276-A-G.
Other names: short protein forms H4092R.
Identifiers: ClinVar variation 1429572 (VCV001429572.4), dbSNP rs2150015827, ClinGen allele CA360379130.
Genomic context (GRCh38, chr5:90,763,459, plus strand): 5'-TTGAGTGGACCATAGATGAGAAGGCTAAACATAACCTTAGTCCTTTGAATGGGACCCTTC[A>G]TTTTGATGAGGTATAGTCAGCATTAGCACTCCTGTAATTTTTCCCCAATTTGTCTTTGAT-3'
Protein context (NP_115495.3, residues 4082-4102): HNLSPLNGTL[His4092Arg]FDETESQKTI